The following is an entry in ClinVar:

ClinVar aggregate classification (germline): Uncertain significance (1 of 4 stars; one submission).

Submission:

Labcorp Genetics (formerly Invitae), Labcorp
Classification: Uncertain significance. Last evaluated: 2025-01-11. Review status: criteria provided, single submitter. Criteria: Invitae Variant Classification Sherloc (09022015). Collection method: clinical testing. Allele origin: germline.
Comment: This sequence change replaces glutamine, which is neutral and polar, with glutamic acid, which is acidic and polar, at codon 2249 of the POLE protein (p.Gln2249Glu). This variant is not present in population databases (gnomAD no frequency). This variant has not been reported in the literature in individuals affected with POLE-related conditions. ClinVar contains an entry for this variant (Variation ID: 2085002). An algorithm developed to predict the effect of missense changes on protein structure and function outputs the following: PolyPhen-2: "Benign". The glutamic acid amino acid residue is found in multiple mammalian species, which suggests that this missense change does not adversely affect protein function. In summary, the available evidence is currently insufficient to determine the role of this variant in disease. Therefore, it has been classified as a Variant of Uncertain Significance.

NM_006231.4(POLE):c.6745C>G (p.Gln2249Glu)

Gene: POLE (DNA polymerase epsilon, catalytic subunit; minus strand). Cytogenetic location: 12q24.33.
Variant type: single nucleotide variant.
Coding change: c.6745C>G on transcript NM_006231.4 (MANE Select); coding-DNA position 6745, C replaced by G.
Protein change: p.Gln2249Glu; replaces glutamine 2249 with glutamic acid.
Molecular consequence: missense variant.
Genome position (GRCh38, 1-based): chr12:132,624,907, G>C on the plus strand (C>G on the coding strand, the complement: POLE is on the minus strand). VCF-style: chr12-132624907-G-C. GRCh37 (hg19) VCF-style: chr12-133201493-G-C.
Other names: short protein forms Q2249E.
Identifiers: ClinVar variation 2085002 (VCV002085002.4), dbSNP rs2541832872, ClinGen allele CA387365982.
Genomic context (GRCh38, chr12:132,624,907, plus strand): 5'-ACTCAGAGAGGAGGCCAAGGAGGCCAGGCTGAGCCGAGGCAGATGAGGGAGAGCCCACCT[G>C]GGTGTGGATGGTGAGGGCGAAGTCTCCCGCGCAGCTGCAGTACACAGGCATGCTGGTCTC-3'
Protein context (NP_006222.2, residues 2239-2259): AGDFALTIHT[Gln2249Glu]VFMEQIGIFR